The following is an entry in ClinVar:

NM_000268.4(NF2):c.794C>T (p.Ser265Leu)

Gene: NF2 (NF2, moesin-ezrin-radixin like (MERLIN) tumor suppressor; plus strand). Cytogenetic location: 22q12.2.
Variant type: single nucleotide variant.
Coding change: c.794C>T on transcript NM_000268.4 (MANE Select); coding-DNA position 794, C replaced by T.
Protein change: p.Ser265Leu; replaces serine 265 with leucine.
Molecular consequence: missense variant. On other transcripts: non-coding transcript variant (1), intron variant (1).
Genome position (GRCh38, 1-based): chr22:29,661,323, C>T. VCF-style: chr22-29661323-C-T. GRCh37 (hg19) VCF-style: chr22-30057312-C-T.
Other names: c.794C>T, p.Ser265Leu (NM_016418.5, NM_181825.3, NM_181832.3); c.668C>T, p.Ser223Leu (NM_181828.3); c.671C>T, p.Ser224Leu (NM_181829.3); c.545C>T, p.Ser182Leu (NM_181830.3, NM_181831.3); c.447+19038C>T (NM_181833.3); short protein forms S224L, S265L, S182L, S223L.
Identifiers: ClinVar variation 827352 (VCV000827352.5), dbSNP rs1601624241, ClinGen allele CA411144141.

ClinVar aggregate classification (germline): Uncertain significance. Review status: criteria provided, multiple submitters, no conflicts (2 of 4 stars). 2 submissions from 2 submitters: Uncertain significance (2). Last evaluated 2025-03-07.

Conditions:
Hereditary cancer-predisposing syndrome. Also called: Tumor predisposition; Hereditary Cancer Syndrome; Hereditary neoplastic syndrome; Neoplastic Syndromes, Hereditary. Identifiers: Orphanet 140162, MedGen C0027672, MeSH D009386, MONDO:0015356.
Neurofibromatosis, type 2 (SWNV). Also called: BILATERAL ACOUSTIC NEUROFIBROMATOSIS; SCHWANNOMATOSIS, VESTIBULAR; NF2-Related Schwannomatosis. Identifiers: Orphanet 637, MedGen C0027832, MONDO:0007039, OMIM 101000. Disease mechanism: loss of function.

Allele frequency attached by ClinVar (database versions not stated): gnomAD exomes below 0.00001.
gnomAD v4.1: 2 of 1,614,138 alleles (0.00012%); highest among the groups gnomAD compares: Non-Finnish European, 0.00017%; no homozygotes.

Submissions (2):

Labcorp Genetics (formerly Invitae), Labcorp
Classification: Uncertain significance for Neurofibromatosis, type 2. Last evaluated: 2025-03-07. Review status: criteria provided, single submitter. Criteria: Invitae Variant Classification Sherloc (09022015). Collection method: clinical testing. Allele origin: germline.
Comment: This sequence change replaces serine, which is neutral and polar, with leucine, which is neutral and non-polar, at codon 265 of the NF2 protein (p.Ser265Leu). This variant is not present in population databases (gnomAD no frequency). This variant has not been reported in the literature in individuals affected with NF2-related conditions. ClinVar contains an entry for this variant (Variation ID: 827352). Invitae Evidence Modeling of protein sequence and biophysical properties (such as structural, functional, and spatial information, amino acid conservation, physicochemical variation, residue mobility, and thermodynamic stability) indicates that this missense variant is expected to disrupt NF2 protein function with a positive predictive value of 80%. In summary, the available evidence is currently insufficient to determine the role of this variant in disease. Therefore, it has been classified as a Variant of Uncertain Significance.

Ambry Genetics
Classification: Uncertain significance for Hereditary cancer-predisposing syndrome. Last evaluated: 2019-03-31. Review status: criteria provided, single submitter. Criteria: Ambry Variant Classification Scheme 2023. Collection method: clinical testing. Allele origin: germline.
Comment: The p.S265L variant (also known as c.794C>T), located in coding exon 8 of the NF2 gene, results from a C to T substitution at nucleotide position 794. The serine at codon 265 is replaced by leucine, an amino acid with dissimilar properties. This amino acid position is highly conserved in available vertebrate species. In addition, this alteration is predicted to be deleterious by in silico analysis. Since supporting evidence is limited at this time, the clinical significance of this alteration remains unclear.